The following is an entry in ClinVar:

ClinVar aggregate classification (germline): Uncertain significance (1 of 4 stars; one submission).

Submission:

Ambry Genetics
Classification: Uncertain significance. Last evaluated: 2024-11-26. Review status: criteria provided, single submitter. Criteria: Ambry Variant Classification Scheme 2023. Collection method: clinical testing. Allele origin: germline.
Comment: The p.C125Y variant (also known as c.374G>A), located in coding exon 1 of the MC1R gene, results from a G to A substitution at nucleotide position 374. The cysteine at codon 125 is replaced by tyrosine, an amino acid with highly dissimilar properties. This amino acid position is conserved. In addition, the in silico prediction for this alteration is inconclusive. Based on the available evidence, the clinical significance of this variant remains unclear.

NM_002386.4(MC1R):c.374G>A (p.Cys125Tyr)

Gene: MC1R (melanocortin 1 receptor; plus strand). Cytogenetic location: 16q24.3.
Variant type: single nucleotide variant.
Coding change: c.374G>A on transcript NM_002386.4 (MANE Select); coding-DNA position 374, G replaced by A.
Protein change: p.Cys125Tyr; replaces cysteine 125 with tyrosine.
Molecular consequence: missense variant.
Genome position (GRCh38, 1-based): chr16:89,919,632, G>A. VCF-style: chr16-89919632-G-A. GRCh37 (hg19) VCF-style: chr16-89986040-G-A.
Other names: short protein forms C125Y.
Identifiers: ClinVar variation 3543976 (VCV003543976.1).